The following is an entry in ClinVar:

ClinVar aggregate classification (germline): Uncertain significance (1 of 4 stars; one submission).

Conditions:
Primary ciliary dyskinesia. Also called: Ciliary dyskinesia. Identifiers: Orphanet 244, MedGen C0008780, MONDO:0016575, HP:0012265.

Allele frequency attached by ClinVar (database versions not stated): ExAC 0.00007; 1000 Genomes Project 30x 0.00016; 1000 Genomes Project 0.00020.
gnomAD v4.1: 38 of 1,613,248 alleles (0.0024%); highest among the groups gnomAD compares: South Asian, 0.034%; no homozygotes.

Submission:

Labcorp Genetics (formerly Invitae), Labcorp
Classification: Uncertain significance for Primary ciliary dyskinesia. Last evaluated: 2022-02-11. Review status: criteria provided, single submitter. Criteria: Invitae Variant Classification Sherloc (09022015). Collection method: clinical testing. Allele origin: germline.
Comment: In summary, the available evidence is currently insufficient to determine the role of this variant in disease. Therefore, it has been classified as a Variant of Uncertain Significance. Algorithms developed to predict the effect of missense changes on protein structure and function output the following: SIFT: "Tolerated"; PolyPhen-2: "Benign"; Align-GVGD: "Class C0". The lysine amino acid residue is found in multiple mammalian species, which suggests that this missense change does not adversely affect protein function. This variant has not been reported in the literature in individuals affected with DNAAF5-related conditions. This variant is present in population databases (rs555500022, gnomAD 0.06%). This sequence change replaces arginine, which is basic and polar, with lysine, which is basic and polar, at codon 668 of the DNAAF5 protein (p.Arg668Lys).

NM_017802.4(DNAAF5):c.2003G>A (p.Arg668Lys)

Gene: DNAAF5 (dynein axonemal assembly factor 5; plus strand). Cytogenetic location: 7p22.3.
Variant type: single nucleotide variant.
Coding change: c.2003G>A on transcript NM_017802.4 (MANE Select); coding-DNA position 2003, G replaced by A.
Protein change: p.Arg668Lys; replaces arginine 668 with lysine.
Molecular consequence: missense variant. On other transcripts: non-coding transcript variant (1).
Genome position (GRCh38, 1-based): chr7:774,119, G>A. VCF-style: chr7-774119-G-A. GRCh37 (hg19) VCF-style: chr7-813756-G-A.
Other names: short protein forms R668K.
Identifiers: ClinVar variation 2152176 (VCV002152176.4), dbSNP rs555500022, ClinGen allele CA4111038.